The following is an entry in ClinVar:

NM_016239.4(MYO15A):c.4898T>C (p.Ile1633Thr)

Gene: MYO15A (myosin XVA; plus strand). Cytogenetic location: 17p11.2.
Variant type: single nucleotide variant.
Coding change: c.4898T>C on transcript NM_016239.4 (MANE Select); coding-DNA position 4898, T replaced by C.
Protein change: p.Ile1633Thr; replaces isoleucine 1633 with threonine.
Molecular consequence: missense variant.
Genome position (GRCh38, 1-based): chr17:18,138,137, T>C. VCF-style: chr17-18138137-T-C. GRCh37 (hg19) VCF-style: chr17-18041451-T-C.
Other names: short protein forms I1633T.
Identifiers: ClinVar variation 929901 (VCV000929901.29), dbSNP rs576399072, ClinGen allele CA8424080.
Genomic context (GRCh38, chr17:18,138,137, plus strand): 5'-GGATGGGAGGTTGAGCTCCTGCTGCCCACTGCCTGCAGGAGGAGTACATCCGTGAGCAGA[T>C]AGACTGGCAGGAGATCACCTTTGCTGACAACCAGCCCTGCATCAACCTCATCTCACTGAA-3'
Protein context (NP_057323.3, residues 1623-1643): EEQEEYIREQ[Ile1633Thr]DWQEITFADN

ClinVar aggregate classification (germline): Conflicting classifications of pathogenicity. Review status: criteria provided, conflicting classifications (1 of 4 stars). 4 submissions from 4 submitters: Likely pathogenic (1); Uncertain significance (3). Last evaluated 2025-02-10.

Conditions:
Autosomal recessive nonsyndromic hearing loss 3. Also called: NEUROSENSORY NONSYNDROMIC RECESSIVE DEAFNESS 3. Identifiers: Orphanet 90636, MedGen C1838263, MONDO:0010860, OMIM 600316.

Allele frequency attached by ClinVar (database versions not stated): TOPMed below 0.00001; ExAC 0.00001; gnomAD 0.00001; gnomAD exomes 0.00001; 1000 Genomes Project 30x 0.00016; 1000 Genomes Project 0.00020.
gnomAD v4.1: 4 of 1,612,930 alleles (0.00025%); highest among the groups gnomAD compares: East Asian, 0.0022%; no homozygotes.

Submissions (4):

Labcorp Genetics (formerly Invitae), Labcorp
Classification: Uncertain significance. Last evaluated: 2025-02-10. Review status: criteria provided, single submitter. Criteria: Invitae Variant Classification Sherloc (09022015). Collection method: clinical testing. Allele origin: germline.
Comment: This sequence change replaces isoleucine, which is neutral and non-polar, with threonine, which is neutral and polar, at codon 1633 of the MYO15A protein (p.Ile1633Thr). This variant is present in population databases (rs576399072, gnomAD 0.01%). This missense change has been observed in individuals with deafness (PMID: 24853665, 27375115, 35346193, 35982127). ClinVar contains an entry for this variant (Variation ID: 929901). Invitae Evidence Modeling of protein sequence and biophysical properties (such as structural, functional, and spatial information, amino acid conservation, physicochemical variation, residue mobility, and thermodynamic stability) indicates that this missense variant is expected to disrupt MYO15A protein function with a positive predictive value of 80%. In summary, the available evidence is currently insufficient to determine the role of this variant in disease. Therefore, it has been classified as a Variant of Uncertain Significance.

Laboratory for Molecular Medicine, Mass General Brigham Personalized Medicine
Classification: Uncertain significance. Last evaluated: 2019-08-12. Review status: criteria provided, single submitter. Criteria: LMM Criteria. Collection method: clinical testing. Allele origin: germline. Observed: 1 variant allele.
Comment: The p.Ile1633Thr variant in MYO15A has been previously reported in 1 individual with hearing loss, who harbored a second variant in MYO15A, though phase was not confirmed (Gu 2015). It has been identified in 0.01% (2/17976) of East Asian chromosomes by gnomAD. Computational prediction tools and conservation analysis suggest that this variant may impact the protein, though this information is not predictive enough to determine pathogenicity. In summary, the clinical significance of this variant is uncertain. ACMG/AMP Criteria applied: PP3, PM2_Supporting.

Juno Genomics, Hangzhou Juno Genomics, Inc
Classification: Uncertain significance for Autosomal recessive nonsyndromic hearing loss 3. Review status: criteria provided, single submitter. Criteria: ACMG Guidelines, 2015. Collection method: clinical testing. Allele origin: germline. Affected: yes.
Comment: Absent from controls (or at extremely low frequency if recessive) in Genome Aggregation Database, Exome Sequencing Project, 1000 Genomes Project, or Exome Aggregation Consortium.;Multiple lines of computational evidence support a deleterious effect on the gene or gene product (conservation, evolutionary, splicing impact, etc).;For recessive disorders, detected in trans with a pathogenic variant.

Molecular Diagnosis Center for Deafness
Classification: Likely pathogenic for Autosomal recessive nonsyndromic hearing loss 3. Review status: criteria provided, single submitter. Criteria: ClinGen HL ACMG Specifications v1. Collection method: clinical testing. Allele origin: maternal. Observed: 4 variant alleles.

Literature cited by the submitters: PubMed 24853665 (cited by Labcorp Genetics (formerly Invitae), Labcorp and Laboratory for Molecular Medicine, Mass General Brigham Personalized Medicine); PubMed 27375115 (cited by Labcorp Genetics (formerly Invitae), Labcorp); PubMed 35346193 (cited by Labcorp Genetics (formerly Invitae), Labcorp); PubMed 35982127 (cited by Labcorp Genetics (formerly Invitae), Labcorp).